The following is an entry in ClinVar:

NM_025074.7(FRAS1):c.11605A>G (p.Ile3869Val)

Gene: FRAS1 (Fraser extracellular matrix complex subunit 1; plus strand). Cytogenetic location: 4q21.21.
Variant type: single nucleotide variant.
Coding change: c.11605A>G on transcript NM_025074.7 (MANE Select); coding-DNA position 11605, A replaced by G.
Protein change: p.Ile3869Val; replaces isoleucine 3869 with valine.
Molecular consequence: missense variant.
Genome position (GRCh38, 1-based): chr4:78,540,690, A>G. VCF-style: chr4-78540690-A-G. GRCh37 (hg19) VCF-style: chr4-79461844-A-G.
Other names: short protein forms I3869V.
Identifiers: ClinVar variation 281464 (VCV000281464.19), dbSNP rs145035489, ClinGen allele CA2979264.
Genomic context (GRCh38, chr4:78,540,690, plus strand): 5'-AGACGCAACCGAAGGGACCTGGTAGAGCCCGATGGCCAGCTGATCCTTGATGATTCCCTC[A>G]TCTATGACAATGAAGGAGACCAAGTCAAGAATGGCACCAATATGAAGTCCCTGAATCTGG-3'
Protein context (NP_079350.5, residues 3859-3879): DGQLILDDSL[Ile3869Val]YDNEGDQVKN

ClinVar aggregate classification (germline): Conflicting classifications of pathogenicity. Review status: criteria provided, conflicting classifications (1 of 4 stars). 4 submissions from 4 submitters: Uncertain significance (1); Benign (1); Likely benign (2). Last evaluated 2026-01-20.

Conditions:
Fraser syndrome 1 (FRASRS1). Also called: CRYPTOPHTHALMOS WITH OTHER MALFORMATIONS. Identifiers: Orphanet 2052, MedGen C4551480, MONDO:0054737, OMIM 219000.

Allele frequency attached by ClinVar (database versions not stated): 1000 Genomes Project 30x 0.00141; 1000 Genomes Project 0.00160; ESP Exome Variant Server 0.00201; gnomAD 0.00236; TOPMed 0.00278.
gnomAD v4.1: 599 of 1,613,766 alleles (0.037%); highest among the groups gnomAD compares: African/African-American, 0.75%; 2 homozygotes.

Submissions (4):

Labcorp Genetics (formerly Invitae), Labcorp
Classification: Likely benign. Last evaluated: 2026-01-20. Review status: criteria provided, single submitter. Criteria: Invitae Variant Classification Sherloc (09022015). Collection method: clinical testing. Allele origin: germline.

GeneDx
Classification: Uncertain significance. Last evaluated: 2023-03-11. Review status: criteria provided, single submitter. Criteria: GeneDx Variant Classification Process June 2021. Collection method: clinical testing. Allele origin: germline. Affected: yes.
Comment: Reported with unknown phase with two other FRAS1 variants in a patient with clubfoot, unilateral incomplete cleft lip, micropenis, and cryptorchidism, but this individual was also reported to have a variant in the CHD7 gene as well (Gowans et al., 2021); In silico analysis supports that this missense variant does not alter protein structure/function; This variant is associated with the following publications: (PMID: 33719213)

Illumina Laboratory Services, Illumina
Classification: Likely benign for Fraser syndrome 1. Last evaluated: 2018-01-12. Review status: criteria provided, single submitter. Criteria: ICSL Variant Classification Criteria 13 December 2019. Collection method: clinical testing. Allele origin: germline.
Comment: This variant was observed in the ICSL laboratory as part of a predisposition screen in an ostensibly healthy population. It had not been previously curated by ICSL or reported in the Human Gene Mutation Database (HGMD: prior to June 1st, 2018), and was therefore a candidate for classification through an automated scoring system. Utilizing variant allele frequency, disease prevalence and penetrance estimates, and inheritance mode, an automated score was calculated to assess if this variant is too frequent to cause the disease. Based on the score and internal cut-off values, a variant classified as likely benign is not then subjected to further curation. The score for this variant resulted in a classification of likely benign for this disease.

Eurofins Ntd Llc (ga)
Classification: Benign. Last evaluated: 2015-06-25. Review status: criteria provided, single submitter. Criteria: EGL Classification Definitions 2015. Collection method: clinical testing. Allele origin: germline. Observed: 1 variant allele, 1 heterozygote.